The following is an entry in ClinVar:

NM_000384.3(APOB):c.4296T>C (p.Asp1432=)

Gene: APOB (apolipoprotein B; minus strand). Cytogenetic location: 2p24.1.
Variant type: single nucleotide variant.
Coding change: c.4296T>C on transcript NM_000384.3 (MANE Select); coding-DNA position 4296, T replaced by C.
Protein change: p.Asp1432=; no amino-acid change (aspartic acid 1432 retained).
Molecular consequence: synonymous variant.
Genome position (GRCh38, 1-based): chr2:21,012,572, A>G on the plus strand (T>C on the coding strand, the complement: APOB is on the minus strand). VCF-style: chr2-21012572-A-G. GRCh37 (hg19) VCF-style: chr2-21235444-A-G.
Identifiers: ClinVar variation 630307 (VCV000630307.19), dbSNP rs563766253, ClinGen allele CA060832.

ClinVar aggregate classification (germline): Likely benign. Review status: criteria provided, multiple submitters, no conflicts (2 of 4 stars). 4 submissions from 4 submitters: Likely benign (4). Last evaluated 2025-11-01.

Conditions:
Familial hypercholesterolemia. Also called: Familial hypercholesterolaemia; Familial hypercholesterolemias. Identifiers: MedGen C0020445, MONDO:0005439.
Cardiovascular phenotype. Identifiers: MedGen CN230736.
Familial hypobetalipoproteinemia 1. Also called: Hypobetalipoproteinemia, normotriglyceridemic; Acanthocytosis with hypobetalipoproteinemia; APOB-Related Familial Hypobetalipoproteinemia. Identifiers: MedGen C4551990, MONDO:0014252, OMIM 615558.
Hypercholesterolemia, autosomal dominant, type B (FHCL2). Also called: Familial Hypercholesterolemia Type B; APOLIPOPROTEIN B-100, FAMILIAL DEFECTIVE; APOLIPOPROTEIN B-100, FAMILIAL LIGAND-DEFECTIVE; APOB-Related Familial Hypercholesterolemia, Autosomal Dominant; Hyperlipoproteinemia Type IIb; HYPERCHOLESTEROLEMIA, FAMILIAL, DUE TO LIGAND-DEFECTIVE APOLIPOPROTEIN B. Identifiers: MedGen C1704417, MONDO:0007751, OMIM 144010.

Allele frequency attached by ClinVar (database versions not stated): 1000 Genomes Project below 0.00001; TOPMed below 0.00001; gnomAD 0.00001; gnomAD exomes 0.00003 and 0.00005; ExAC 0.00004.
gnomAD v4.1: 43 of 1,614,002 alleles (0.0027%); highest among the groups gnomAD compares: South Asian, 0.038%; no homozygotes.

Submissions (4):

Labcorp Genetics (formerly Invitae), Labcorp
Classification: Likely benign for Familial hypobetalipoproteinemia 1; Hypercholesterolemia, autosomal dominant, type B. Last evaluated: 2025-11-01. Review status: criteria provided, single submitter. Criteria: Invitae Variant Classification Sherloc (09022015). Collection method: clinical testing. Allele origin: germline.

GENinCode PLC
Classification: Likely benign for Familial hypercholesterolemia. Last evaluated: 2025-01-09. Review status: criteria provided, single submitter. Criteria: ACMG Guidelines, 2015. Collection method: clinical testing. Allele origin: germline.
Comment: This is a synonymous (silent) variant that is not predicted to impact splicing and occurs at a nucleotide which is not highly conserved. This variant has been classified as Likely Benign (BP4, BP7).

Blueprint Genetics
Classification: Likely benign. Last evaluated: 2023-09-01. Review status: criteria provided, single submitter. Criteria: ACMG Guidelines, 2015. Collection method: clinical testing. Allele origin: germline.

Ambry Genetics
Classification: Likely benign for Cardiovascular phenotype. Last evaluated: 2019-09-09. Review status: criteria provided, single submitter. Criteria: Ambry Variant Classification Scheme 2023. Collection method: clinical testing. Allele origin: germline.